The following is an entry in ClinVar:

ClinVar aggregate classification (germline): Likely benign (1 of 4 stars; one submission).

Submission:

CeGaT Center for Human Genetics Tuebingen
Classification: Likely benign. Last evaluated: 2025-07-01. Review status: criteria provided, single submitter. Criteria: CeGaT Center For Human Genetics Tuebingen Variant Classification Criteria Version 2. Collection method: clinical testing. Allele origin: germline. Affected: yes. Observed: 1 variant allele.
Comment: EMG1: BP4, BP7

NM_006331.8(EMG1):c.585T>A (p.Pro195=)

Gene: EMG1 (EMG1 N1-specific pseudouridine methyltransferase; plus strand). Cytogenetic location: 12p13.31.
Variant type: single nucleotide variant.
Coding change: c.585T>A on transcript NM_006331.8 (MANE Select); coding-DNA position 585, T replaced by A.
Protein change: p.Pro195=; no amino-acid change (proline 195 retained).
Molecular consequence: synonymous variant. On other transcripts: non-coding transcript variant (1), intron variant (1).
Genome position (GRCh38, 1-based): chr12:6,975,342, T>A. VCF-style: chr12-6975342-T-A. GRCh37 (hg19) VCF-style: chr12-7084504-T-A.
Other names: c.471+194T>A (NM_001320049.2).
Identifiers: ClinVar variation 4085478 (VCV004085478.8).